The following is an entry in ClinVar:

ClinVar aggregate classification (germline): Likely benign. Review status: criteria provided, multiple submitters, no conflicts (2 of 4 stars). 3 submissions from 3 submitters: Likely benign (3). Last evaluated 2025-06-29.

Conditions:
KBG syndrome (KBGS). Also called: ANKRD11-Related KBG Syndrome. Identifiers: Orphanet 2332, MedGen C0220687, MONDO:0007846, OMIM 148050.

Allele frequency attached by ClinVar (database versions not stated): ExAC 0.00002; gnomAD 0.00002 and 0.00003; gnomAD exomes 0.00002.
gnomAD v4.1: 31 of 1,613,770 alleles (0.0019%); highest among the groups gnomAD compares: Non-Finnish European, 0.0024%; no homozygotes.

Submissions (3):

Labcorp Genetics (formerly Invitae), Labcorp
Classification: Likely benign for KBG syndrome. Last evaluated: 2025-06-29. Review status: criteria provided, single submitter. Criteria: Invitae Variant Classification Sherloc (09022015). Collection method: clinical testing. Allele origin: germline.

Blueprint Genetics
Classification: Likely benign. Last evaluated: 2022-04-20. Review status: criteria provided, single submitter. Criteria: ACMG Guidelines, 2015. Collection method: clinical testing. Allele origin: germline.

GeneDx
Classification: Likely benign. Last evaluated: 2020-11-24. Review status: criteria provided, single submitter. Criteria: GeneDx Variant Classification Process June 2021. Collection method: clinical testing. Allele origin: germline. Affected: yes.
Comment: Not observed[at a significant frequency in large population cohorts (Lek et al., 2016)

NM_013275.6(ANKRD11):c.4393C>A (p.His1465Asn)

Gene: ANKRD11 (ankyrin repeat domain 11; minus strand). Cytogenetic location: 16q24.3.
Variant type: single nucleotide variant.
Coding change: c.4393C>A on transcript NM_013275.6 (MANE Select); coding-DNA position 4393, C replaced by A.
Protein change: p.His1465Asn; replaces histidine 1465 with asparagine.
Molecular consequence: missense variant.
Genome position (GRCh38, 1-based): chr16:89,282,149, G>T on the plus strand (C>A on the coding strand, the complement: ANKRD11 is on the minus strand). VCF-style: chr16-89282149-G-T. GRCh37 (hg19) VCF-style: chr16-89348557-G-T.
Other names: c.4393C>A, p.His1465Asn (NM_001256182.2, NM_001256183.2); short protein forms H1465N.
Identifiers: ClinVar variation 718360 (VCV000718360.7), dbSNP rs746788345, ClinGen allele CA8242131.